The following is an entry in ClinVar:

ClinVar aggregate classification (germline): Uncertain significance (1 of 4 stars; one submission).

Allele frequency attached by ClinVar (database versions not stated): TOPMed 0.00003; ExAC 0.00002; gnomAD 0.00003; gnomAD exomes below 0.00001.
gnomAD v4.1: 11 of 1,613,532 alleles (0.00068%); highest among the groups gnomAD compares: African/African-American, 0.012%; no homozygotes.

Submission:

Labcorp Genetics (formerly Invitae), Labcorp
Classification: Uncertain significance. Last evaluated: 2025-10-21. Review status: criteria provided, single submitter. Criteria: Invitae Variant Classification Sherloc (09022015). Collection method: clinical testing. Allele origin: germline.
Comment: This sequence change falls in intron 18 of the CFH gene. It does not directly change the encoded amino acid sequence of the CFH protein. It affects a nucleotide within the consensus splice site. This variant is present in population databases (rs776001029, gnomAD 0.01%). This variant has not been reported in the literature in individuals affected with CFH-related conditions. ClinVar contains an entry for this variant (Variation ID: 2704422). Variants that disrupt the consensus splice site are a relatively common cause of aberrant splicing (PMID: 17576681, 9536098). Algorithms developed to predict the effect of sequence changes on RNA splicing suggest that this variant is not likely to affect RNA splicing. In summary, the available evidence is currently insufficient to determine the role of this variant in disease. Therefore, it has been classified as a Variant of Uncertain Significance.

Literature cited by the submitters: PubMed 17576681; PubMed 9536098.

NM_000186.4(CFH):c.2956+4T>C

Gene: CFH (complement factor H; plus strand). Cytogenetic location: 1q31.3.
Variant type: single nucleotide variant.
Coding change: c.2956+4T>C on transcript NM_000186.4 (MANE Select); 4 bases into the intron after coding-DNA position 2956, T replaced by C.
Molecular consequence: intron variant.
Genome position (GRCh38, 1-based): chr1:196,740,796, T>C. VCF-style: chr1-196740796-T-C. GRCh37 (hg19) VCF-style: chr1-196709926-T-C.
Identifiers: ClinVar variation 2704422 (VCV002704422.3), dbSNP rs776001029, ClinGen allele CA1305783.